The following is an entry in ClinVar:

NM_015895.5(GMNN):c.316C>T (p.Arg106Trp)

Gene: GMNN (geminin DNA replication inhibitor; plus strand). Cytogenetic location: 6p22.3.
Variant type: single nucleotide variant.
Coding change: c.316C>T on transcript NM_015895.5 (MANE Select); coding-DNA position 316, C replaced by T.
Protein change: p.Arg106Trp; replaces arginine 106 with tryptophan.
Molecular consequence: missense variant.
Genome position (GRCh38, 1-based): chr6:24,784,128, C>T. VCF-style: chr6-24784128-C-T. GRCh37 (hg19) VCF-style: chr6-24784356-C-T.
Other names: c.316C>T, p.Arg106Trp (NM_001251989.2, NM_001251990.2, NM_001251991.1); short protein forms R106W.
Identifiers: ClinVar variation 1421697 (VCV001421697.8), dbSNP rs758033028, ClinGen allele CA3658877.

ClinVar aggregate classification (germline): Uncertain significance (1 of 4 stars; one submission).

Allele frequency attached by ClinVar (database versions not stated): ExAC 0.00002; TOPMed 0.00002; gnomAD 0.00003 and 0.00004; gnomAD exomes 0.00004.

Submission:

Labcorp Genetics (formerly Invitae), Labcorp
Classification: Uncertain significance. Last evaluated: 2025-05-29. Review status: criteria provided, single submitter. Criteria: Invitae Variant Classification Sherloc (09022015). Collection method: clinical testing. Allele origin: germline.
Comment: This sequence change replaces arginine, which is basic and polar, with tryptophan, which is neutral and slightly polar, at codon 106 of the GMNN protein (p.Arg106Trp). This variant is present in population databases (rs758033028, gnomAD 0.01%). This variant has not been reported in the literature in individuals affected with GMNN-related conditions. ClinVar contains an entry for this variant (Variation ID: 1421697). An algorithm developed to predict the effect of missense changes on protein structure and function (PolyPhen-2) suggests that this variant is likely to be tolerated. In summary, the available evidence is currently insufficient to determine the role of this variant in disease. Therefore, it has been classified as a Variant of Uncertain Significance.